The following is an entry in ClinVar:

ClinVar aggregate classification (germline): Uncertain significance (1 of 4 stars; one submission).

Conditions:
Familial thoracic aortic aneurysm and aortic dissection (TAAD). Also called: Thoracic aortic aneurysms and dissections. Identifiers: Orphanet 91387, MedGen C4707243, MONDO:0019625.

gnomAD v4.1: 3 of 1,597,200 alleles (0.00019%); highest among the groups gnomAD compares: Admixed American, 0.0017%; no homozygotes.

Submission:

Color Diagnostics, LLC DBA Color Health
Classification: Uncertain significance for Familial thoracic aortic aneurysm and aortic dissection. Last evaluated: 2025-10-21. Review status: criteria provided, single submitter. Criteria: ACMG Guidelines, 2015. Collection method: clinical testing. Allele origin: germline.
Comment: This missense variant replaces serine with threonine at codon 3 of the SMAD3 protein. Computational prediction is inconclusive regarding the impact of this variant on protein structure and function. To our knowledge, functional studies have not been reported for this variant. This variant has not been reported in individuals affected with SMAD3-related disorders in the literature. This variant has been identified in 3/1597200 chromosomes in the general population by the Genome Aggregation Database (gnomAD). The available evidence is insufficient to determine the role of this variant in disease conclusively. Therefore, this variant is classified as a Variant of Uncertain Significance.

NM_005902.4(SMAD3):c.7T>A (p.Ser3Thr)

Genes: SMAD3 (SMAD family member 3; plus strand), LOC130057352 (ATAC-STARR-seq lymphoblastoid silent region 6574; plus strand). Cytogenetic location: 15q22.33.
Variant type: single nucleotide variant.
Coding change: c.7T>A on transcript NM_005902.4 (MANE Select); coding-DNA position 7, T replaced by A.
Protein change: p.Ser3Thr; replaces serine 3 with threonine.
Molecular consequence: missense variant.
Genome position (GRCh38, 1-based): chr15:67,066,161, T>A. VCF-style: chr15-67066161-T-A. GRCh37 (hg19) VCF-style: chr15-67358499-T-A.
Other names: c.7T>A, p.Ser3Thr (NM_001407011.1, NM_001407012.1, NM_001407013.1); short protein forms S3T.
Identifiers: ClinVar variation 4758452 (VCV004758452.1).